The following is an entry in ClinVar:

ClinVar aggregate classification (germline): Likely benign (1 of 4 stars; one submission).

Allele frequency attached by ClinVar (database versions not stated): gnomAD exomes below 0.00001.
gnomAD v4.1: 1 of 1,611,298 alleles (0.000062%); highest among the groups gnomAD compares: Admixed American, 0.0017%; no homozygotes.

Submission:

Laboratory for Molecular Medicine, Mass General Brigham Personalized Medicine
Classification: Likely benign. Last evaluated: 2016-06-10. Review status: criteria provided, single submitter. Criteria: LMM Criteria. Collection method: clinical testing. Allele origin: germline. Observed: 1 variant allele.
Comment: p.Gly3795Gly in exon 83 of RYR2: This variant is not expected to have clinical s ignificance because it does not alter an amino acid residue and is not located w ithin the splice consensus sequence.

NM_001035.3(RYR2):c.11385C>A (p.Gly3795=)

Gene: RYR2 (ryanodine receptor 2; plus strand). Cytogenetic location: 1q43.
Variant type: single nucleotide variant.
Coding change: c.11385C>A on transcript NM_001035.3 (MANE Select); coding-DNA position 11385, C replaced by A.
Protein change: p.Gly3795=; no amino-acid change (glycine 3795 retained).
Molecular consequence: synonymous variant.
Genome position (GRCh38, 1-based): chr1:237,759,835, C>A. VCF-style: chr1-237759835-C-A. GRCh37 (hg19) VCF-style: chr1-237923135-C-A.
Identifiers: ClinVar variation 505125 (VCV000505125.5), dbSNP rs919989129, ClinGen allele CA423822112.